The following is an entry in ClinVar:

ClinVar aggregate classification (germline): Likely benign. Review status: criteria provided, multiple submitters, no conflicts (2 of 4 stars). 2 submissions from 2 submitters: Likely benign (2). Last evaluated 2026-09-01.

Allele frequency attached by ClinVar (database versions not stated): ESP Exome Variant Server 0.00038; gnomAD 0.00056 and 0.00058; TOPMed 0.00071; ExAC 0.00079; gnomAD exomes 0.00086; 1000 Genomes Project 30x 0.00109; 1000 Genomes Project 0.00120.
gnomAD v4.1: 1,004 of 1,614,130 alleles (0.062%); highest among the groups gnomAD compares: Middle Eastern, 0.68%; 5 homozygotes.

Submissions (2):

CeGaT Center for Human Genetics Tuebingen
Classification: Likely benign. Last evaluated: 2026-09-01. Review status: criteria provided, single submitter. Criteria: CeGaT Center For Human Genetics Tuebingen Variant Classification Criteria Version 2. Collection method: clinical testing. Allele origin: germline. Affected: yes. Observed: 5 variant alleles.
Comment: ITPR3: BP4, BP7, BS1

Labcorp Genetics (formerly Invitae), Labcorp
Classification: Likely benign. Last evaluated: 2019-12-31. Review status: criteria provided, single submitter. Criteria: Invitae Variant Classification Sherloc (09022015). Collection method: clinical testing. Allele origin: germline.

NM_002224.4(ITPR3):c.3048C>T (p.Phe1016=)

Gene: ITPR3 (inositol 1,4,5-trisphosphate receptor type 3; plus strand). Cytogenetic location: 6p21.31.
Variant type: single nucleotide variant.
Coding change: c.3048C>T on transcript NM_002224.4 (MANE Select); coding-DNA position 3048, C replaced by T.
Protein change: p.Phe1016=; no amino-acid change (phenylalanine 1016 retained).
Molecular consequence: synonymous variant.
Genome position (GRCh38, 1-based): chr6:33,673,710, C>T. VCF-style: chr6-33673710-C-T. GRCh37 (hg19) VCF-style: chr6-33641487-C-T.
Identifiers: ClinVar variation 712371 (VCV000712371.28), dbSNP rs146528103, ClinGen allele CA3760778.